The following is an entry in ClinVar:

ClinVar aggregate classification (germline): Conflicting classifications of pathogenicity. Review status: criteria provided, conflicting classifications (1 of 4 stars). 5 submissions from 5 submitters: Uncertain significance (4); Likely benign (1). Last evaluated 2026-03-13.

Conditions:
TTN-related disorder. Also called: TTN-related disorders; TTN-related condition; TTN-related disease.
Cardiovascular phenotype. Identifiers: MedGen CN230736.

Allele frequency attached by ClinVar (database versions not stated): TOPMed 0.00005; gnomAD 0.00008; 1000 Genomes Project 0.00020; 1000 Genomes Project 30x 0.00031.
gnomAD v4.1: 25 of 1,613,276 alleles (0.0015%); highest among the groups gnomAD compares: African/African-American, 0.029%; no homozygotes.

Submissions (5):

PreventionGenetics, part of Exact Sciences
Classification: Uncertain significance for TTN-related condition. Last evaluated: 2026-03-13. Review status: criteria provided, single submitter. Criteria: ACMG Guidelines, 2015. Collection method: clinical testing. Allele origin: germline.
Comment: The TTN c.67615G>A variant is predicted to result in the amino acid substitution p.Val22539Ile. To our knowledge, this variant has not been reported in the literature. This variant is reported in 0.029% of alleles in individuals of African descent in gnomAD. At this time, the clinical significance of this variant is uncertain due to the absence of conclusive functional and genetic evidence.

Women's Health and Genetics/Laboratory Corporation of America, LabCorp
Classification: Uncertain significance. Last evaluated: 2025-12-30. Review status: criteria provided, single submitter. Criteria: LabCorp Variant Classification Summary - May 2015. Collection method: clinical testing. Allele origin: germline.
Comment: Variant summary: TTN c.59911G>A (p.Val19971Ile) results in a conservative amino acid change in the encoded protein sequence. Algorithms developed to predict the effect of missense changes on protein structure and function all suggest that this variant is likely to be tolerated. The variant allele was found at a frequency of 2.4e-05 in 247672 control chromosomes. The available data on variant occurrences in the general population are insufficient to allow any conclusion about variant significance. To our knowledge, no occurrence of c.59911G>A in individuals affected with TTN-related conditions and no experimental evidence demonstrating its impact on protein function have been reported. ClinVar contains an entry for this variant (Variation ID: 1737294). Based on the evidence outlined above, the variant was classified as uncertain significance.

Molecular Diagnostic Laboratory for Inherited Cardiovascular Disease, Montreal Heart Institute
Classification: Likely benign. Last evaluated: 2025-04-09. Review status: criteria provided, single submitter. Criteria: ACMG Guidelines, 2015. Collection method: clinical testing. Allele origin: germline. Affected: no.

Ambry Genetics
Classification: Uncertain significance for Cardiovascular phenotype. Last evaluated: 2019-09-11. Review status: criteria provided, single submitter. Criteria: Ambry Variant Classification Scheme 2023. Collection method: clinical testing. Allele origin: germline.
Comment: The p.V13474I variant (also known as c.40420G>A), located in coding exon 146 of the TTN gene, results from a G to A substitution at nucleotide position 40420. The valine at codon 13474 is replaced by isoleucine, an amino acid with highly similar properties. This amino acid position is not well conserved in available vertebrate species, and isoleucine is the reference amino acid in other vertebrate species. In addition, this alteration is predicted to be tolerated by in silico analysis. Since supporting evidence is limited at this time, the clinical significance of this alteration remains unclear.

Revvity Omics, Revvity
Classification: Uncertain significance. Last evaluated: 2019-06-12. Review status: criteria provided, single submitter. Criteria: ACMG Guidelines, 2015. Collection method: clinical testing. Allele origin: germline.

NM_001267550.2(TTN):c.67615G>A (p.Val22539Ile)

Genes: TTN (titin; minus strand), TTN-AS1 (TTN antisense RNA 1; plus strand), LOC126806423 (CDK7 strongly-dependent group 2 enhancer GRCh37_chr2:179443309-179444508; plus strand). Cytogenetic location: 2q31.2.
Variant type: single nucleotide variant.
Coding change: c.67615G>A on transcript NM_001267550.2 (MANE Select); coding-DNA position 67615, G replaced by A.
Protein change: p.Val22539Ile; replaces valine 22539 with isoleucine.
Molecular consequence: missense variant.
Genome position (GRCh38, 1-based): chr2:178,579,582, C>T on the plus strand (G>A on the coding strand, the complement: TTN is on the minus strand). VCF-style: chr2-178579582-C-T. GRCh37 (hg19) VCF-style: chr2-179444309-C-T.
Other names: c.62692G>A, p.Val20898Ile (NM_001256850.1); c.40420G>A, p.Val13474Ile (NM_003319.4); c.59911G>A, p.Val19971Ile (NM_133378.4); c.40795G>A, p.Val13599Ile (NM_133432.3); c.40996G>A, p.Val13666Ile (NM_133437.4); short protein forms V13599I, V13666I, V20898I, V22539I, V13474I, V19971I.
Identifiers: ClinVar variation 1737294 (VCV001737294.8), dbSNP rs558955595, ClinGen allele CA1991277.